The following is an entry in ClinVar:

ClinVar aggregate classification (germline): Benign. Review status: criteria provided, single submitter (1 of 4 stars). 2 submissions from 2 submitters: Benign (1). 1 of the submissions does not count toward it. Last evaluated 2023-05-16.

Conditions:
Rubinstein-Taybi syndrome (RSTS). Identifiers: Orphanet 783, MedGen C0035934, MONDO:0019188.
CREBBP-related disorder. Also called: CREBBP-related condition; CREBBP-related disorders.

Allele frequency attached by ClinVar (database versions not stated): gnomAD exomes 0.00002; gnomAD 0.00003; ExAC 0.00014.
gnomAD v4.1: 28 of 1,552,780 alleles (0.0018%); highest among the groups gnomAD compares: Admixed American, 0.0058%; no homozygotes.

Submissions (2):

Labcorp Genetics (formerly Invitae), Labcorp
Classification: Benign for Rubinstein-Taybi syndrome. Last evaluated: 2023-05-16. Review status: criteria provided, single submitter. Criteria: Invitae Variant Classification Sherloc (09022015). Collection method: clinical testing. Allele origin: germline.

PreventionGenetics, part of Exact Sciences
Classification: Likely benign for CREBBP-related condition. Last evaluated: 2020-04-07. Review status: no assertion criteria provided. Collection method: clinical testing. Allele origin: germline. Not counted in ClinVar's aggregate classification.
Comment: This variant is classified as likely benign based on ACMG/AMP sequence variant interpretation guidelines (Richards et al. 2015 PMID: 25741868, with internal and published modifications).

NM_004380.3(CREBBP):c.5739C>T (p.Pro1913=)

Gene: CREBBP (CREB binding lysine acetyltransferase; minus strand). Cytogenetic location: 16p13.3.
Variant type: single nucleotide variant.
Coding change: c.5739C>T on transcript NM_004380.3 (MANE Select); coding-DNA position 5739, C replaced by T.
Protein change: p.Pro1913=; no amino-acid change (proline 1913 retained).
Molecular consequence: synonymous variant.
Genome position (GRCh38, 1-based): chr16:3,729,308, G>A on the plus strand (C>T on the coding strand, the complement: CREBBP is on the minus strand). VCF-style: chr16-3729308-G-A. GRCh37 (hg19) VCF-style: chr16-3779309-G-A.
Other names: c.5739C>T (NM_004380.2); c.5625C>T, p.Pro1875= (NM_001079846.1).
Identifiers: ClinVar variation 2916686 (VCV002916686.5), dbSNP rs777139307, ClinGen allele CA7869252.